The following is an entry in ClinVar:

ClinVar aggregate classification (germline): Uncertain significance (1 of 4 stars; one submission).

Conditions:
Snijders Blok-Campeau syndrome. Also called: INTELLECTUAL DEVELOPMENTAL DISORDER WITH MACROCEPHALY, SPEECH DELAY, AND DYSMORPHIC FACIES. Identifiers: Orphanet 599082, MedGen C4748701, MONDO:0032600, OMIM 618205.

Allele frequency attached by ClinVar (database versions not stated): gnomAD exomes below 0.00001; gnomAD 0.00001; TOPMed 0.00001.
gnomAD v4.1: 3 of 1,614,030 alleles (0.00019%); highest among the groups gnomAD compares: Non-Finnish European, 0.00025%; no homozygotes.

Submission:

MGZ Medical Genetics Center
Classification: Uncertain significance for Snijders Blok-Campeau syndrome. Last evaluated: 2021-08-13. Review status: criteria provided, single submitter. Criteria: ACMG Guidelines, 2015. Collection method: clinical testing. Allele origin: germline. Affected: yes. Observed: 1 variant allele.
Comment: ACMG criteria applied: PM1, PM2_SUP, PP2, PP3

NM_001005273.3(CHD3):c.4004G>A (p.Arg1335Gln)

Gene: CHD3 (chromodomain helicase DNA binding protein 3; plus strand). Cytogenetic location: 17p13.1.
Variant type: single nucleotide variant.
Coding change: c.4004G>A on transcript NM_001005273.3 (MANE Select); coding-DNA position 4004, G replaced by A.
Protein change: p.Arg1335Gln; replaces arginine 1335 with glutamine.
Molecular consequence: missense variant.
Genome position (GRCh38, 1-based): chr17:7,904,551, G>A. VCF-style: chr17-7904551-G-A. GRCh37 (hg19) VCF-style: chr17-7807869-G-A.
Other names: c.4181G>A, p.Arg1394Gln (NM_001005271.3); c.4004G>A, p.Arg1335Gln (NM_005852.4); short protein forms R1335Q, R1394Q.
Identifiers: ClinVar variation 1709886 (VCV001709886.2), dbSNP rs1036613104, ClinGen allele CA287496253.
Genomic context (GRCh38, chr17:7,904,551, plus strand): 5'-CTGACTACTGGGAGAAGCTGCTGAGGCATCACTATGAGCAACAGCAGGAAGACCTAGCCC[G>A]GAATCTAGGCAAGGGCAAGCGGGTTCGCAAGCAAGTTAACTACAATGATGCTGCTCAGGA-3'
Protein context (NP_001005273.1, residues 1325-1345): HYEQQQEDLA[Arg1335Gln]NLGKGKRVRK